The following is an entry in ClinVar:

ClinVar aggregate classification (germline): Pathogenic (0 of 4 stars; one submission).

Conditions:
Pyruvate dehydrogenase E1-alpha deficiency (PDHAD). Also called: ATAXIA, INTERMITTENT, WITH PYRUVATE DEHYDROGENASE DEFICIENCY; ATAXIA WITH LACTIC ACIDOSIS I; ATAXIA, INTERMITTENT, WITH ABNORMAL PYRUVATE METABOLISM; Ataxia, intermittent, with pyruvate dehydrogenase, or decarboxylase, deficiency. Identifiers: Orphanet 79243, MedGen C1839413, MONDO:0010717, OMIM 312170.

Submission:

PDHA1 Study Group, University Children’s Hospital, Paracelsus Medical University
Classification: Pathogenic for Pyruvate dehydrogenase E1-alpha deficiency. Last evaluated: 2024-10-15. Review status: no assertion criteria provided. Collection method: research. Allele origin: de novo. Affected: yes. Observed: 1 variant allele.
Comment: The NM_000284.3:c.893G>A (p.Gly298Glu) substitution is a missense variant in PDHA1 gene. Among them, 1 case had confirmed de novo occurrence. The variant has been reported in 1 published case (PMIDs: 21914562). Last literature search: July 12, 2024. This variant is absent or extremely rare in population-based cohorts in the Genome Aggregation Database (gnomAD). Individuals harboring this variant presented with clinical features compatible with PDHA1-related PDHc deficiency. In summary, this variant meets criteria to be classified as pathogenic (P) for PDHA1-related PDHc deficiency based on the ACMG/AMP criteria applied: PS2, PS3, PM2, PM7, PP3 (last assessment October 15, 2024).

Literature cited by the submitters: PubMed 21914562; DOI 10.1093/brain/awaf430.

NM_000284.4(PDHA1):c.893G>A (p.Gly298Glu)

Gene: PDHA1 (pyruvate dehydrogenase E1 subunit alpha 1; plus strand). Cytogenetic location: Xp22.12.
Variant type: single nucleotide variant.
Coding change: c.893G>A on transcript NM_000284.4 (MANE Select); coding-DNA position 893, G replaced by A.
Protein change: p.Gly298Glu; replaces glycine 298 with glutamic acid.
Molecular consequence: missense variant.
Genome position (GRCh38, 1-based): chrX:19,357,713, G>A. VCF-style: chrX-19357713-G-A. GRCh37 (hg19) VCF-style: chrX-19375831-G-A.
Other names: c.1007G>A, p.Gly336Glu (NM_001173454.2); c.914G>A, p.Gly305Glu (NM_001173455.2); c.800G>A, p.Gly267Glu (NM_001173456.2); short protein forms G267E, G298E, G305E, G336E.
Identifiers: ClinVar variation 4070384 (VCV004070384.1).